The following is an entry in ClinVar:

NM_024675.4(PALB2):c.1619A>G (p.Asn540Ser)

Gene: PALB2 (partner and localizer of BRCA2; minus strand). Cytogenetic location: 16p12.2.
Variant type: single nucleotide variant.
Coding change: c.1619A>G on transcript NM_024675.4 (MANE Select); coding-DNA position 1619, A replaced by G.
Protein change: p.Asn540Ser; replaces asparagine 540 with serine.
Molecular consequence: missense variant.
Genome position (GRCh38, 1-based): chr16:23,634,927, T>C on the plus strand (A>G on the coding strand, the complement: PALB2 is on the minus strand). VCF-style: chr16-23634927-T-C. GRCh37 (hg19) VCF-style: chr16-23646248-T-C.
Other names: short protein forms N540S.
Identifiers: ClinVar variation 419052 (VCV000419052.7), dbSNP rs1064793609, ClinGen allele CA16620142.

ClinVar aggregate classification (germline): Uncertain significance. Review status: criteria provided, multiple submitters, no conflicts (2 of 4 stars). 3 submissions from 3 submitters: Uncertain significance (3). Last evaluated 2023-08-20.

Conditions:
Familial cancer of breast. Also called: Hereditary breast cancer; BREAST CANCER, FAMILIAL; hereditary breast carcinoma. Identifiers: Orphanet 227535, MedGen C0346153, MONDO:0016419, OMIM 114480. Disease mechanism: loss of function.
Hereditary cancer-predisposing syndrome. Also called: Hereditary neoplastic syndrome; Tumor predisposition; Neoplastic Syndromes, Hereditary; Hereditary Cancer Syndrome. Identifiers: Orphanet 140162, MedGen C0027672, MeSH D009386, MONDO:0015356.

Submissions (3):

Labcorp Genetics (formerly Invitae), Labcorp
Classification: Uncertain significance for Familial cancer of breast. Last evaluated: 2023-08-20. Review status: criteria provided, single submitter. Criteria: Invitae Variant Classification Sherloc (09022015). Collection method: clinical testing. Allele origin: germline.
Comment: In summary, the available evidence is currently insufficient to determine the role of this variant in disease. Therefore, it has been classified as a Variant of Uncertain Significance. Advanced modeling of protein sequence and biophysical properties (such as structural, functional, and spatial information, amino acid conservation, physicochemical variation, residue mobility, and thermodynamic stability) performed at Invitae indicates that this missense variant is not expected to disrupt PALB2 protein function. ClinVar contains an entry for this variant (Variation ID: 419052). This variant has not been reported in the literature in individuals affected with PALB2-related conditions. This variant is not present in population databases (gnomAD no frequency). This sequence change replaces asparagine, which is neutral and polar, with serine, which is neutral and polar, at codon 540 of the PALB2 protein (p.Asn540Ser).

Ambry Genetics
Classification: Uncertain significance for Hereditary cancer-predisposing syndrome. Last evaluated: 2021-02-04. Review status: criteria provided, single submitter. Criteria: Ambry Variant Classification Scheme 2023. Collection method: clinical testing. Allele origin: germline.
Comment: The p.N540S variant (also known as c.1619A>G), located in coding exon 4 of the PALB2 gene, results from an A to G substitution at nucleotide position 1619. The asparagine at codon 540 is replaced by serine, an amino acid with highly similar properties. This amino acid position is not well conserved in available vertebrate species. In addition, this alteration is predicted to be tolerated by in silico analysis. Since supporting evidence is limited at this time, the clinical significance of this alteration remains unclear.

GeneDx
Classification: Uncertain significance. Last evaluated: 2015-05-15. Review status: criteria provided, single submitter. Criteria: GeneDx Variant Classification (06012015). Collection method: clinical testing. Allele origin: germline. Affected: yes.
Comment: This variant is denoted PALB2 c.1619A>G at the cDNA level, p.Asn540Ser (N540S) at the protein level, and results in the change of an Asparagine to a Serine (AAC>AGC). This variant has not, to our knowledge, been published in the literature as pathogenic or benign. PALB2 Asn540Ser was not observed in approximately 6,500 individuals of European and African American ancestry in the NHLBI Exome Sequencing Project, indicating it is not a common benign variant in these populations. Since Asparagine and Serine share similar properties, this is considered a conservative amino acid substitution. PALB2 Asn540Ser occurs at a position that is not conserved, with Serine being the naturally occurring amino acid at this position in one species, and is located in the DNA-binding region (UniProt). In silico analyses predict that this variant is unlikely to alter protein structure or function. Based on currently available information, it is unclear whether PALB2 Asn540Ser is pathogenic or benign. We consider it to be a variant of uncertain significance.